The following is an entry in ClinVar:

ClinVar aggregate classification (germline): Benign/Likely benign. Review status: criteria provided, multiple submitters, no conflicts (2 of 4 stars). 5 submissions from 5 submitters: Benign (4); Likely benign (1). Last evaluated 2026-01-22.

Conditions:
Combined immunodeficiency due to LRBA deficiency. Also called: Common variable immunodeficiency 8, with autoimmunity. Identifiers: Orphanet 445018, MedGen C3553512, MONDO:0013863, OMIM 614700.

Allele frequency attached by ClinVar (database versions not stated): gnomAD exomes 0.00052 and 0.00146; ExAC 0.00192; 1000 Genomes Project 0.00499; 1000 Genomes Project 30x 0.00515; gnomAD 0.00590 and 0.00642; ESP Exome Variant Server 0.00661; TOPMed 0.00705.
gnomAD v4.1: 1,699 of 1,606,962 alleles (0.11%); highest among the groups gnomAD compares: African/African-American, 2%; 14 homozygotes.

Submissions (5):

Labcorp Genetics (formerly Invitae), Labcorp
Classification: Benign for Combined immunodeficiency due to LRBA deficiency. Last evaluated: 2026-01-22. Review status: criteria provided, single submitter. Criteria: Invitae Variant Classification Sherloc (09022015). Collection method: clinical testing. Allele origin: germline.

Women's Health and Genetics/Laboratory Corporation of America, LabCorp
Classification: Likely benign. Last evaluated: 2026-01-22. Review status: criteria provided, single submitter. Criteria: LabCorp Variant Classification Summary - May 2015. Collection method: clinical testing. Allele origin: germline.

Mayo Clinic Laboratories, Mayo Clinic
Classification: Benign. Last evaluated: 2024-02-07. Review status: criteria provided, single submitter. Criteria: ACMG Guidelines, 2015. Collection method: clinical testing. Allele origin: germline. Observed: 4 variant alleles.
Comment: BS1, BS2, BP4

Genetic Services Laboratory, University of Chicago
Classification: Benign. Last evaluated: 2020-07-21. Review status: criteria provided, single submitter. Criteria: ACMG Guidelines, 2015. Collection method: clinical testing. Allele origin: germline. Affected: no.

Breakthrough Genomics
Classification: Benign. Review status: criteria provided, single submitter. Criteria: ACMG Guidelines, 2015. Collection method: not provided. Allele origin: germline. Inheritance: Autosomal recessive inheritance. Affected: yes.

NM_001364905.1(LRBA):c.1513A>G (p.Ile505Val)

Gene: LRBA (LPS responsive beige-like anchor protein; minus strand). Cytogenetic location: 4q31.3.
Variant type: single nucleotide variant.
Coding change: c.1513A>G on transcript NM_001364905.1 (MANE Select); coding-DNA position 1513, A replaced by G.
Protein change: p.Ile505Val; replaces isoleucine 505 with valine.
Molecular consequence: missense variant.
Genome position (GRCh38, 1-based): chr4:150,906,386, T>C on the plus strand (A>G on the coding strand, the complement: LRBA is on the minus strand). VCF-style: chr4-150906386-T-C. GRCh37 (hg19) VCF-style: chr4-151827538-T-C.
Other names: p.Ile505Val; c.1513A>G, p.Ile505Val (NM_001199282.3, NM_001367550.1, NM_006726.5); short protein forms I505V.
Identifiers: ClinVar variation 540402 (VCV000540402.17), dbSNP rs35612775, ClinGen allele CA3103550.